The following is an entry in ClinVar:

NM_020435.4(GJC2):c.-167A>G

Gene: GJC2 (gap junction protein gamma 2; plus strand). Cytogenetic location: 1q42.13.
Variant type: single nucleotide variant.
Coding change: c.-167A>G on transcript NM_020435.4 (MANE Select); 167 bases upstream of the start codon, A replaced by G.
Genome position (GRCh38, 1-based): chr1:228,149,860, A>G. VCF-style: chr1-228149860-A-G. GRCh37 (hg19) VCF-style: chr1-228337561-A-G.
Other names: 167G>A; -7899A>G; -167A-G.
Identifiers: ClinVar variation 30759 (VCV000030759.20), dbSNP rs587776888, ClinGen allele CA129449.

ClinVar aggregate classification (germline): Pathogenic/Likely pathogenic. Review status: criteria provided, multiple submitters, no conflicts (2 of 4 stars). 8 submissions from 8 submitters: Pathogenic (4); Likely pathogenic (2). 2 of the submissions do not count toward it. Last evaluated 2025-05-06.

Conditions:
autosomal recessive GJC2-related disorders.
GJC2-related disorder. Also called: GJC2-related disorders; GJC2-related condition. Identifiers: MedGen CN230087.
Spastic paraplegia. Identifiers: MedGen C0037772, HP:0001258.
Hereditary spastic paraplegia 44. Also called: SPASTIC PARAPLEGIA 44, AUTOSOMAL RECESSIVE. Identifiers: Orphanet 320401, MedGen C2750784, MONDO:0013179, OMIM 613206.
Leukodystrophy, hypomyelinating, 2. Also called: PELIZAEUS-MERZBACHER-LIKE DISEASE, 1. Identifiers: Orphanet 280270, Orphanet 280282, MedGen C1837355, MONDO:0012125, OMIM 608804.

Allele frequency attached by ClinVar (database versions not stated): TOPMed 0.00002.

Submissions (8):

Variantyx, Inc.
Classification: Likely pathogenic for autosomal recessive GJC2-related disorders. Last evaluated: 2025-05-06. Review status: criteria provided, single submitter. Criteria: Variantyx Assertion Criteria 2022. Collection method: clinical testing. Allele origin: germline. Inheritance: Autosomal recessive inheritance. Affected: no.
Comment: This is a 5'-UTR variant in the GJC2 gene (OMIM: 608803). Pathogenic variants in this gene have been associated with autosomal recessive GJC2-related disorders. This variant has been reported in the homozygous or compound heterozygous state in many unrelated affected individuals (PMID: 20695017, 21246605 , 21959080) (PM3_Very_Strong), and it has been observed to segregate with disease in at least 7 individuals from 5 families (PMID: 21959080, 21246605, 20695017) (PP1_Strong). Functional studies have shown that this variant alters GJC2 protein function (PMID: 21246605, 20695017, 24374284) (PS3). This variant is absent from control populations (PM2_Supporting). Based on the current evidence, this variant is classified as pathogenic for autosomal recessive GJC2-related disorders.

Labcorp Genetics (formerly Invitae), Labcorp
Classification: Pathogenic for Spastic paraplegia. Last evaluated: 2025-02-17. Review status: criteria provided, single submitter. Criteria: Invitae Variant Classification Sherloc (09022015). Collection method: clinical testing. Allele origin: germline.
Comment: This variant occurs in a non-coding region of the GJC2 gene. It does not change the encoded amino acid sequence of the GJC2 protein. This variant is not present in population databases (gnomAD no frequency). This variant has been observed in individual(s) with Pelizaeus–Merzbacher-like disease (PMID: 20695017, 21246605, 21959080, 23142375). It has also been observed to segregate with disease in related individuals. ClinVar contains an entry for this variant (Variation ID: 30759). Algorithms developed to predict the effect of variants on gene product structure and function are not available or were not evaluated for this variant. Experimental studies have shown that this variant affects GJC2 function (PMID: 20695017, 21246605, 24374284). For these reasons, this variant has been classified as Pathogenic.

3billion
Classification: Pathogenic for Hereditary spastic paraplegia 44. Last evaluated: 2024-11-24. Review status: criteria provided, single submitter. Criteria: ACMG Guidelines, 2015. Collection method: clinical testing. Allele origin: germline. Affected: yes.
Comment: The variant is not observed in the gnomAD v4.1.0 dataset. Predicted Consequence/Location: Non coding variant Functional studies provide strong evidence of the variant having a damaging effect on the gene or gene product (PMID: 20695017). The variant has been reported to co-segregate with the disease in at least 3 similarly affected relatives/individuals in the same family or similarly affected unrelated family (PMID: 21959080). The variant has been reported at least twice as pathogenic without evidence for the classification (ClinVar ID: VCV000030759 /PMID: 20695017). Therefore, this variant is classified as Pathogenic according to the recommendation of ACMG/AMP guideline.

Revvity Omics, Revvity
Classification: Pathogenic. Last evaluated: 2024-10-04. Review status: criteria provided, single submitter. Criteria: ACMG Guidelines, 2015. Collection method: clinical testing. Allele origin: germline.

Molecular Diagnostics Lab, Nemours Children's Health, Delaware
Classification: Likely pathogenic for Leukodystrophy, hypomyelinating, 2. Last evaluated: 2021-06-30. Review status: criteria provided, single submitter. Criteria: ACMG Guidelines, 2015. Collection method: clinical testing. Allele origin: unknown. Inheritance: Autosomal recessive inheritance. Affected: yes and no. Observed: 4 heterozygotes, 2 compound heterozygotes, 2 homozygotes.
Comment: This variant (c.-167A>G, promoter region) has not been observed in population databases (gnomAD). The change has been reported in the literature (it has been shown to segregate with the condition), and functional studies indicate a decrease in protein expression (PMID 24374284, PMID 21246605, PMID 20695017, PMID 21959080, PMID 23242375). It was found as homozygous in affected individuals in two unrelated families, and heterozygous in another affected individual also heterozygous for c.893_942del (p.Val298Alafs*33, likely pathogenic), although no parental studies were performed.

Blueprint Genetics
Classification: Pathogenic for GJC2-related disorders. Last evaluated: 2020-05-12. Review status: criteria provided, single submitter. Criteria: ACMG Guidelines, 2015. Collection method: clinical testing. Allele origin: germline. Affected: yes. Observed: 3 variant alleles.

OMIM
Classification: Pathogenic for LEUKODYSTROPHY, HYPOMYELINATING, 2. Last evaluated: 2012-01-01. Review status: no assertion criteria provided. Collection method: literature only. Allele origin: germline. Not counted in ClinVar's aggregate classification.

GeneReviews
No classification provided. Condition: Leukodystrophy, hypomyelinating, 2. Review status: no classification provided. Collection method: literature only. Allele origin: germline. Not counted in ClinVar's aggregate classification.

Literature cited by the submitters: PubMed 18094336 (cited by Variantyx, Inc. and OMIM); PubMed 27057822 (cited by Variantyx, Inc.); PubMed 20695017 (cited by 5 submitters); PubMed 21246605 (cited by Labcorp Genetics (formerly Invitae), Labcorp and OMIM); PubMed 21959080 (cited by 3 submitters); PubMed 23142375 (cited by Labcorp Genetics (formerly Invitae), Labcorp and Molecular Diagnostics Lab, Nemours Children's Health, Delaware); PubMed 24374284 (cited by 3 submitters); PubMed 8733901 (cited by OMIM); PubMed 27780564 (cited by OMIM and GeneReviews); PubMed 29276893 (cited by GeneReviews).